The following is an entry in ClinVar:

ClinVar aggregate classification (germline): Uncertain significance (1 of 4 stars; one submission).

Conditions:
Anemia, nonspherocytic hemolytic, due to G6PD deficiency (CNSHA1). Also called: ANEMIA, CONGENITAL, NONSPHEROCYTIC HEMOLYTIC, 1; Class I glucose-6-phosphate dehydrogenase deficiency; Favism, susceptibility to; Hemolytic anemia due to G6PD deficiency. Identifiers: Orphanet 466026, MedGen C2720289, MONDO:0010480, OMIM 300908.

Submission:

Labcorp Genetics (formerly Invitae), Labcorp
Classification: Uncertain significance for Anemia, nonspherocytic hemolytic, due to G6PD deficiency. Last evaluated: 2024-04-22. Review status: criteria provided, single submitter. Criteria: Invitae Variant Classification Sherloc (09022015). Collection method: clinical testing. Allele origin: germline.
Comment: This sequence change replaces leucine, which is neutral and non-polar, with histidine, which is basic and polar, at codon 515 of the G6PD protein (p.Leu515His). This variant is not present in population databases (gnomAD no frequency). This variant has not been reported in the literature in individuals affected with G6PD-related conditions. Advanced modeling of protein sequence and biophysical properties (such as structural, functional, and spatial information, amino acid conservation, physicochemical variation, residue mobility, and thermodynamic stability) performed at Invitae indicates that this missense variant is expected to disrupt G6PD protein function with a positive predictive value of 95%. In summary, the available evidence is currently insufficient to determine the role of this variant in disease. Therefore, it has been classified as a Variant of Uncertain Significance.

NM_001360016.2(G6PD):c.1544T>A (p.Leu515His)

Gene: G6PD (glucose-6-phosphate dehydrogenase; minus strand). Cytogenetic location: Xq28.
Variant type: single nucleotide variant.
Coding change: c.1544T>A on transcript NM_001360016.2 (MANE Select); coding-DNA position 1544, T replaced by A.
Protein change: p.Leu515His; replaces leucine 515 with histidine.
Molecular consequence: missense variant.
Genome position (GRCh38, 1-based): chrX:154,532,004, A>T on the plus strand (T>A on the coding strand, the complement: G6PD is on the minus strand). VCF-style: chrX-154532004-A-T. GRCh37 (hg19) VCF-style: chrX-153760219-A-T.
Other names: c.1634T>A, p.Leu545His (NM_000402.4); c.1544T>A, p.Leu515His (NM_001042351.3); short protein forms L515H, L545H.
Identifiers: ClinVar variation 3636379 (VCV003636379.2).